The following is an entry in ClinVar:

ClinVar aggregate classification (germline): Uncertain significance (1 of 4 stars; one submission).

gnomAD v4.1: 6 of 1,447,260 alleles (0.00041%); highest among the groups gnomAD compares: Non-Finnish European, 0.00037%; no homozygotes.

Submission:

Labcorp Genetics (formerly Invitae), Labcorp
Classification: Uncertain significance. Last evaluated: 2024-04-08. Review status: criteria provided, single submitter. Criteria: Invitae Variant Classification Sherloc (09022015). Collection method: clinical testing. Allele origin: germline.
Comment: This sequence change replaces glycine, which is neutral and non-polar, with serine, which is neutral and polar, at codon 88 of the ARIH1 protein (p.Gly88Ser). This variant is not present in population databases (gnomAD no frequency). This variant has not been reported in the literature in individuals affected with ARIH1-related conditions. An algorithm developed to predict the effect of missense changes on protein structure and function (PolyPhen-2) suggests that this variant is likely to be tolerated. In summary, the available evidence is currently insufficient to determine the role of this variant in disease. Therefore, it has been classified as a Variant of Uncertain Significance.

NM_005744.5(ARIH1):c.262G>A (p.Gly88Ser)

Gene: ARIH1 (ariadne RBR E3 ubiquitin protein ligase 1; plus strand). Cytogenetic location: 15q24.1.
Variant type: single nucleotide variant.
Coding change: c.262G>A on transcript NM_005744.5 (MANE Select); coding-DNA position 262, G replaced by A.
Protein change: p.Gly88Ser; replaces glycine 88 with serine.
Molecular consequence: missense variant.
Genome position (GRCh38, 1-based): chr15:72,474,901, G>A. VCF-style: chr15-72474901-G-A. GRCh37 (hg19) VCF-style: chr15-72767242-G-A.
Other names: short protein forms G88S.
Identifiers: ClinVar variation 3604955 (VCV003604955.2).
Genomic context (GRCh38, chr15:72,474,901, plus strand): 5'-GGTGGCGGCGGCAGCGCTCTGGGGCCCGGCGGTGGCGGCGGCGGCGGCGGCGGCGGTGGT[G>A]GTGGCGGGCCGGGGCATGAGCAGGAGGAGGATTACCGCTACGAGGTGCTCACGGCCGAGC-3'
Protein context (NP_005735.2, residues 78-98): GGGGGGGGGG[Gly88Ser]GGPGHEQEED